The following is an entry in ClinVar:

ClinVar aggregate classification (germline): Uncertain significance (1 of 4 stars; one submission).

Conditions:
Familial adenomatous polyposis 1 (FAP1). Also called: FAMILIAL ADENOMATOUS POLYPOSIS 1, ATTENUATED; POLYPOSIS, ADENOMATOUS INTESTINAL. Identifiers: MedGen C2713442, MONDO:0021056, OMIM 175100. Disease mechanism: loss of function.

gnomAD v4.1: 2 of 1,370,676 alleles (0.00015%); highest among the groups gnomAD compares: Non-Finnish European, 0.00019%; no homozygotes.

Submission:

Labcorp Genetics (formerly Invitae), Labcorp
Classification: Uncertain significance for Familial adenomatous polyposis 1. Last evaluated: 2022-07-12. Review status: criteria provided, single submitter. Criteria: Invitae Variant Classification Sherloc (09022015). Collection method: clinical testing. Allele origin: germline.
Comment: This variant has not been reported in the literature in individuals affected with APC-related conditions. This variant is not present in population databases (gnomAD no frequency). This variant occurs in a non-coding region of the APC gene. It does not change the encoded amino acid sequence of the APC protein. In summary, the available evidence is currently insufficient to determine the role of this variant in disease. Therefore, it has been classified as a Variant of Uncertain Significance. Experimental studies and prediction algorithms are not available or were not evaluated, and the functional significance of this variant is currently unknown.

NM_001127511.3(APC):c.77G>A (p.Ser26Asn)

Gene: APC (APC regulator of Wnt signaling pathway; plus strand). Cytogenetic location: 5q22.2.
Variant type: single nucleotide variant.
Coding change: c.77G>A on transcript NM_001127511.3; coding-DNA position 77, G replaced by A.
Protein change: p.Ser26Asn; replaces serine 26 with asparagine.
Molecular consequence: missense variant. On other transcripts: 5 prime UTR variant (8), non-coding transcript variant (1), intron variant (5).
Genome position (GRCh38, 1-based): chr5:112,707,794, G>A. VCF-style: chr5-112707794-G-A. GRCh37 (hg19) VCF-style: chr5-112043491-G-A.
Other names: c.-107G>A (NM_001354895.2, NM_001407447.1, NM_001407452.1 and 3 more transcripts); c.77G>A, p.Ser26Asn (NM_001354897.2, NM_001354902.2, NM_001407446.1); c.-1142G>A (NM_001407470.1, NM_001407472.1); c.-19+145G>A (NM_001407448.1, NM_001407450.1, NM_001407457.1 and 1 more transcripts); c.-43+145G>A (NM_001407453.1); short protein forms S26N.
Identifiers: ClinVar variation 1009637 (VCV001009637.9), dbSNP rs775738268, ClinGen allele CA360611874.